The following is an entry in ClinVar:

NM_004522.3(KIF5C):c.116T>C (p.Val39Ala)

Gene: KIF5C (kinesin family member 5C; plus strand). Cytogenetic location: 2q23.1.
Variant type: single nucleotide variant.
Coding change: c.116T>C on transcript NM_004522.3 (MANE Select); coding-DNA position 116, T replaced by C.
Protein change: p.Val39Ala; replaces valine 39 with alanine.
Molecular consequence: missense variant.
Genome position (GRCh38, 1-based): chr2:148,875,733, T>C. VCF-style: chr2-148875733-T-C. GRCh37 (hg19) VCF-style: chr2-149633302-T-C.
Other names: short protein forms V39A.
Identifiers: ClinVar variation 1308068 (VCV001308068.2), dbSNP rs1190316056, ClinGen allele CA348866223.

ClinVar aggregate classification (germline): Uncertain significance (1 of 4 stars; one submission).

Allele frequency attached by ClinVar (database versions not stated): gnomAD 0.00001; TOPMed 0.00001.
gnomAD v4.1: 1 of 1,604,742 alleles (0.000062%); highest among the groups gnomAD compares: African/African-American, 0.0013%; no homozygotes.

Submission:

GeneDx
Classification: Uncertain significance. Last evaluated: 2019-03-15. Review status: criteria provided, single submitter. Criteria: GeneDx Variant Classification Process June 2021. Collection method: clinical testing. Allele origin: germline. Affected: yes.
Comment: Not observed in large population cohorts (Lek et al., 2016; McVean et al., 2012; Exome Variant Server); In silico analysis, which includes protein predictors and evolutionary conservation, supports that this variant does not alter protein structure/function; Has not been previously published as pathogenic or benign to our knowledge